The following is an entry in ClinVar:

ClinVar aggregate classification (germline): Uncertain significance (1 of 4 stars; one submission).

Submission:

GeneDx
Classification: Uncertain significance. Last evaluated: 2021-04-22. Review status: criteria provided, single submitter. Criteria: GeneDx Variant Classification Process June 2021. Collection method: clinical testing. Allele origin: germline. Affected: yes.
Comment: Not observed in large population cohorts (Lek et al., 2016); In silico analysis supports that this missense variant has a deleterious effect on protein structure/function; Has not been previously published as pathogenic or benign to our knowledge

NM_006015.6(ARID1A):c.5540G>A (p.Gly1847Asp)

Gene: ARID1A (AT-rich interaction domain 1A; plus strand). Cytogenetic location: 1p36.11.
Variant type: single nucleotide variant.
Coding change: c.5540G>A on transcript NM_006015.6 (MANE Select); coding-DNA position 5540, G replaced by A.
Protein change: p.Gly1847Asp; replaces glycine 1847 with aspartic acid.
Molecular consequence: missense variant.
Genome position (GRCh38, 1-based): chr1:26,779,438, G>A. VCF-style: chr1-26779438-G-A. GRCh37 (hg19) VCF-style: chr1-27105929-G-A.
Other names: c.4889G>A, p.Gly1630Asp (NM_139135.4); short protein forms G1630D, G1847D.
Identifiers: ClinVar variation 1304216 (VCV001304216.2), dbSNP rs2124140259, ClinGen allele CA339185811.